The following is an entry in ClinVar:

ClinVar aggregate classification (germline): Benign/Likely benign. Review status: criteria provided, multiple submitters, no conflicts (2 of 4 stars). 12 submissions from 12 submitters: Benign (8); Likely benign (1). 3 of the submissions do not count toward it. Last evaluated 2026-02-02.

Conditions:
Collagen 6-related myopathy. Identifiers: MedGen CN117976, MONDO:0100225.
Bethlem myopathy 1A. Also called: MYOPATHY, BENIGN CONGENITAL, WITH CONTRACTURES; Bethlem myopathy 1; Bethlem Muscular Dystrophy. Identifiers: Orphanet 610, MedGen CN029274, MONDO:0024530, OMIM 158810.

Allele frequency attached by ClinVar (database versions not stated): 1000 Genomes Project 0.04732; gnomAD 0.07295 and 0.07188; 1000 Genomes Project 30x 0.04591; gnomAD exomes 0.07575 and 0.09806; ESP Exome Variant Server 0.06878; TOPMed 0.06860; ExAC 0.07649.
gnomAD v4.1: 153,821 of 1,613,478 alleles (9.5%); highest among the groups gnomAD compares: Non-Finnish European, 11%; 8,196 homozygotes.

Submissions (12):

Labcorp Genetics (formerly Invitae), Labcorp
Classification: Benign for Bethlem myopathy 1A. Last evaluated: 2026-02-02. Review status: criteria provided, single submitter. Criteria: Invitae Variant Classification Sherloc (09022015). Collection method: clinical testing. Allele origin: germline.

Blueprint Genetics
Classification: Likely benign. Last evaluated: 2024-11-26. Review status: criteria provided, single submitter. Criteria: ACMG Guidelines, 2015. Collection method: clinical testing. Allele origin: germline.

Illumina Laboratory Services, Illumina
Classification: Benign for Collagen VI-related myopathy. Last evaluated: 2018-01-13. Review status: criteria provided, single submitter. Criteria: ICSL Variant Classification Criteria 13 December 2019. Collection method: clinical testing. Allele origin: germline.
Comment: This variant was observed in the ICSL laboratory as part of a predisposition screen in an ostensibly healthy population. It had not been previously curated by ICSL or reported in the Human Gene Mutation Database (HGMD: prior to June 1st, 2018), and was therefore a candidate for classification through an automated scoring system. Utilizing variant allele frequency, disease prevalence and penetrance estimates, and inheritance mode, an automated score was calculated to assess if this variant is too frequent to cause the disease. Based on the score and internal cut-off values, a variant classified as benign is not then subjected to further curation. The score for this variant resulted in a classification of benign for this disease.

Mayo Clinic Laboratories, Mayo Clinic
Classification: Benign. Last evaluated: 2017-10-10. Review status: criteria provided, single submitter. Criteria: ACMG Guidelines, 2015. Collection method: clinical testing. Allele origin: germline. Observed: 119 variant alleles.

Athena Diagnostics
Classification: Benign. Last evaluated: 2017-09-14. Review status: criteria provided, single submitter. Criteria: Athena Diagnostics Criteria. Collection method: clinical testing. Allele origin: germline.

GeneDx
Classification: Benign. Last evaluated: 2016-02-02. Review status: criteria provided, single submitter. Criteria: GeneDx Variant Classification (06012015). Collection method: clinical testing. Allele origin: germline. Affected: yes.
Comment: This variant is considered likely benign or benign based on one or more of the following criteria: it is a conservative change, it occurs at a poorly conserved position in the protein, it is predicted to be benign by multiple in silico algorithms, and/or has population frequency not consistent with disease.

Eurofins Ntd Llc (ga)
Classification: Benign. Last evaluated: 2012-08-07. Review status: criteria provided, single submitter. Criteria: EGL Classification Definitions 2015. Collection method: clinical testing. Allele origin: germline. Observed: 15 variant alleles, 13 heterozygotes, 2 homozygotes.

Breakthrough Genomics
Classification: Benign. Review status: criteria provided, single submitter. Criteria: ACMG Guidelines, 2015. Collection method: not provided. Allele origin: germline. Inheritance: Autosomal recessive inheritance. Affected: yes.

PreventionGenetics, part of Exact Sciences
Classification: Benign. Review status: criteria provided, single submitter. Criteria: ACMG Guidelines, 2015. Collection method: clinical testing. Allele origin: germline.

Clinical Genetics, Academic Medical Center
Classification: Benign. Review status: no assertion criteria provided. Collection method: clinical testing. Allele origin: germline. Affected: yes. Study: VKGL Data-share Consensus. Not counted in ClinVar's aggregate classification.

Genetic Services Laboratory, University of Chicago
Classification: Likely benign for AllHighlyPenetrant. Review status: no assertion criteria provided. Collection method: clinical testing. Allele origin: germline. Not counted in ClinVar's aggregate classification.
Comment: Likely benign based on allele frequency in 1000 Genomes Project or ESP global frequency and its presence in a patient with a rare or unrelated disease phenotype. NOT Sanger confirmed.

Joint Genome Diagnostic Labs from Nijmegen and Maastricht, Radboudumc and MUMC+
Classification: Benign. Review status: no assertion criteria provided. Collection method: clinical testing. Allele origin: germline. Affected: yes. Study: VKGL Data-share Consensus. Not counted in ClinVar's aggregate classification.

NM_004369.4(COL6A3):c.8962A>G (p.Met2988Val)

Gene: COL6A3 (collagen type VI alpha 3 chain; minus strand). Cytogenetic location: 2q37.3.
Variant type: single nucleotide variant.
Coding change: c.8962A>G on transcript NM_004369.4 (MANE Select); coding-DNA position 8962, A replaced by G.
Protein change: p.Met2988Val; replaces methionine 2988 with valine.
Molecular consequence: missense variant.
Genome position (GRCh38, 1-based): chr2:237,336,138, T>C on the plus strand (A>G on the coding strand, the complement: COL6A3 is on the minus strand). VCF-style: chr2-237336138-T-C. GRCh37 (hg19) VCF-style: chr2-238244781-T-C.
Other names: c.7141A>G, p.Met2381Val (NM_057166.5); c.8344A>G, p.Met2782Val (NM_057167.4); short protein forms M2782V, M2381V.
Identifiers: ClinVar variation 95013 (VCV000095013.27), dbSNP rs11690358, ClinGen allele CA148083.